The following is an entry in ClinVar:

ClinVar aggregate classification (germline): Benign. Review status: reviewed by expert panel (3 of 4 stars). 2 submissions from 2 submitters: Benign (1). 1 of the submissions does not count toward it. Last evaluated 2015-01-12.

Conditions:
Breast-ovarian cancer, familial, susceptibility to, 1 (BROVCA1). Also called: BRCA1 Hereditary Breast and Ovarian Cancer; OVARIAN CANCER, SUSCEPTIBILITY TO. Identifiers: Orphanet 145, MedGen C2676676, MONDO:0011450, OMIM 604370. Disease mechanism: loss of function.

Allele frequency attached by ClinVar (database versions not stated): TOPMed 0.36263; gnomAD 0.37523 and 0.38104; 1000 Genomes Project 0.38259.
gnomAD v4.1: 57,623 of 151,018 alleles (38%); highest among the groups gnomAD compares: South Asian, 52%; 11,702 homozygotes.

Submissions (2):

Evidence-based Network for the Interpretation of Germline Mutant Alleles (ENIGMA)
Classification: Benign for Breast-ovarian cancer, familial 1. Last evaluated: 2015-01-12. Review status: reviewed by expert panel. Criteria: ENIGMA BRCA1/2 Classification Criteria (2015). Collection method: curation. Allele origin: germline.
Comment: Class 1 not pathogenic based on frequency >1% in an outbred sampleset. Frequency 0.3392 (Asian), 0.1748 (African), 0.4182 (European), derived from 1000 genomes (2012-04-30).

Breakthrough Genomics
Classification: Benign. Review status: criteria provided, single submitter. Criteria: ACMG Guidelines, 2015. Collection method: not provided. Allele origin: germline. Inheritance: Autosomal recessive inheritance. Affected: yes. Not counted in ClinVar's aggregate classification.

NM_007294.4(BRCA1):c.4675+565T>A

Gene: BRCA1 (BRCA1 DNA repair associated; minus strand). Cytogenetic location: 17q21.31.
Variant type: single nucleotide variant.
Coding change: c.4675+565T>A on transcript NM_007294.4 (MANE Select); 565 bases into the intron after coding-DNA position 4675, T replaced by A.
Molecular consequence: intron variant.
Genome position (GRCh38, 1-based): chr17:43,073,766, A>T on the plus strand (T>A on the coding strand, the complement: BRCA1 is on the minus strand). VCF-style: chr17-43073766-A-T. GRCh37 (hg19) VCF-style: chr17-41225783-A-T.
Other names: IVS 15+565T>A; c.1222+565T>A (NM_001408458.1, NM_001408461.1, NM_001408464.1 and 7 more transcripts); c.3784+565T>A (NM_001407967.1); c.4294+565T>A (NM_001407959.1); c.4408+565T>A (NM_001407931.1, NM_001407932.1, NM_001407928.1 and 4 more transcripts); c.4531+565T>A (NM_001407747.1, NM_001407745.1, NM_001407737.1 and 21 more transcripts); c.4291+565T>A (NM_001407962.1, NM_001407960.1); c.862+565T>A (NM_001408512.1); and 72 more.
Identifiers: ClinVar variation 209369 (VCV000209369.3), dbSNP rs8176215, ClinGen allele CA276341.